The following is an entry in ClinVar:

ClinVar aggregate classification (germline): Uncertain significance (1 of 4 stars; one submission).

Submission:

Ambry Genetics
Classification: Uncertain significance. Last evaluated: 2024-05-25. Review status: criteria provided, single submitter. Criteria: Ambry Variant Classification Scheme 2023. Collection method: clinical testing. Allele origin: germline.
Comment: The p.K1717E variant (also known as c.5149A>G), located in coding exon 44 of the KIF1B gene, results from an A to G substitution at nucleotide position 5149. The lysine at codon 1717 is replaced by glutamic acid, an amino acid with similar properties. This amino acid position is highly conserved in available vertebrate species. In addition, the in silico prediction for this alteration is inconclusive. Since supporting evidence is limited at this time, the clinical significance of this alteration remains unclear.

NM_001365951.3(KIF1B):c.5287A>G (p.Lys1763Glu)

Gene: KIF1B (kinesin family member 1B; plus strand). Cytogenetic location: 1p36.22.
Variant type: single nucleotide variant.
Coding change: c.5287A>G on transcript NM_001365951.3 (MANE Select); coding-DNA position 5287, A replaced by G.
Protein change: p.Lys1763Glu; replaces lysine 1763 with glutamic acid.
Molecular consequence: missense variant.
Genome position (GRCh38, 1-based): chr1:10,375,044, A>G. VCF-style: chr1-10375044-A-G. GRCh37 (hg19) VCF-style: chr1-10435102-A-G.
Other names: c.5287A>G, p.Lys1763Glu (NM_001365952.1); c.5149A>G, p.Lys1717Glu (NM_015074.3); short protein forms K1717E, K1763E.
Identifiers: ClinVar variation 1745644 (VCV001745644.3), dbSNP rs2521983868, ClinGen allele CA338330991.